The following is an entry in ClinVar:

ClinVar aggregate classification (germline): Uncertain significance. Review status: criteria provided, multiple submitters, no conflicts (2 of 4 stars). 2 submissions from 2 submitters: Uncertain significance (2). Last evaluated 2025-10-15.

Conditions:
Hereditary spastic paraplegia 62. Also called: Spastic paraplegia 62, autosomal recessive. Identifiers: Orphanet 401785, MedGen C4284588, MONDO:0014302, OMIM 615681.

Allele frequency attached by ClinVar (database versions not stated): ExAC 0.00007; gnomAD exomes 0.00009.
gnomAD v4.1: 81 of 1,611,764 alleles (0.005%); highest among the groups gnomAD compares: Middle Eastern, 0.016%; no homozygotes.

Submissions (2):

Ambry Genetics
Classification: Uncertain significance. Last evaluated: 2025-10-15. Review status: criteria provided, single submitter. Criteria: Ambry Variant Classification Scheme 2023. Collection method: clinical testing. Allele origin: germline.

Labcorp Genetics (formerly Invitae), Labcorp
Classification: Uncertain significance for Hereditary spastic paraplegia 62. Last evaluated: 2022-07-23. Review status: criteria provided, single submitter. Criteria: Invitae Variant Classification Sherloc (09022015). Collection method: clinical testing. Allele origin: germline.
Comment: This sequence change replaces arginine, which is basic and polar, with histidine, which is basic and polar, at codon 243 of the ERLIN1 protein (p.Arg243His). This variant is present in population databases (rs781383034, gnomAD 0.02%), including at least one homozygous and/or hemizygous individual. This variant has not been reported in the literature in individuals affected with ERLIN1-related conditions. ClinVar contains an entry for this variant (Variation ID: 1402119). Algorithms developed to predict the effect of missense changes on protein structure and function are either unavailable or do not agree on the potential impact of this missense change (SIFT: "Tolerated"; PolyPhen-2: "Possibly Damaging"; Align-GVGD: "Class C0"). In summary, the available evidence is currently insufficient to determine the role of this variant in disease. Therefore, it has been classified as a Variant of Uncertain Significance.

NM_006459.4(ERLIN1):c.728G>A (p.Arg243His)

Gene: ERLIN1 (ER lipid raft associated 1; minus strand). Cytogenetic location: 10q24.31.
Variant type: single nucleotide variant.
Coding change: c.728G>A on transcript NM_006459.4 (MANE Select); coding-DNA position 728, G replaced by A.
Protein change: p.Arg243His; replaces arginine 243 with histidine.
Molecular consequence: missense variant. On other transcripts: non-coding transcript variant (6).
Genome position (GRCh38, 1-based): chr10:100,156,162, C>T on the plus strand (G>A on the coding strand, the complement: ERLIN1 is on the minus strand). VCF-style: chr10-100156162-C-T. GRCh37 (hg19) VCF-style: chr10-101915919-C-T.
Other names: c.728G>A, p.Arg243His (NM_001100626.2, NM_001347857.2, NM_001347859.2 and 2 more transcripts); c.476G>A, p.Arg159His (NM_001347856.2); c.248G>A, p.Arg83His (NM_001347858.2); c.728G>A (NM_006459.3); short protein forms R159H, R83H, R243H.
Identifiers: ClinVar variation 1402119 (VCV001402119.4), dbSNP rs781383034, ClinGen allele CA5646017.